The following is an entry in ClinVar:

NM_006231.4(POLE):c.2561+1G>T

Gene: POLE (DNA polymerase epsilon, catalytic subunit; minus strand). Cytogenetic location: 12q24.33.
Variant type: single nucleotide variant.
Coding change: c.2561+1G>T on transcript NM_006231.4 (MANE Select); the canonical splice donor site of the intron after coding-DNA position 2561, G replaced by T.
Molecular consequence: splice donor variant.
Genome position (GRCh38, 1-based): chr12:132,664,369, C>A on the plus strand (G>T on the coding strand, the complement: POLE is on the minus strand). VCF-style: chr12-132664369-C-A. GRCh37 (hg19) VCF-style: chr12-133240955-C-A.
Identifiers: ClinVar variation 821480 (VCV000821480.11), dbSNP rs1565961210, ClinGen allele CA387396086.

ClinVar aggregate classification (germline): Conflicting classifications of pathogenicity. Review status: criteria provided, conflicting classifications (1 of 4 stars). 2 submissions from 2 submitters: Likely pathogenic (1); Uncertain significance (1). Last evaluated 2024-12-17.

Conditions:
Hereditary cancer-predisposing syndrome. Also called: Neoplastic Syndromes, Hereditary; Tumor predisposition; Hereditary Cancer Syndrome; Hereditary neoplastic syndrome. Identifiers: Orphanet 140162, MedGen C0027672, MeSH D009386, MONDO:0015356.

Submissions (2):

Ambry Genetics
Classification: Uncertain significance for Hereditary cancer-predisposing syndrome. Last evaluated: 2024-12-17. Review status: criteria provided, single submitter. Criteria: Ambry Variant Classification Scheme 2023. Collection method: clinical testing. Allele origin: germline.
Comment: The c.2561+1G>T intronic variant results from a G to T substitution one nucleotide after coding exon 22 of the POLE gene. Alterations that disrupt the canonical splice site are expected to cause aberrant splicing. In silico splice site analysis predicts that this alteration will weaken the native splice donor site and will result in the creation or strengthening of a novel splice donor site. The resulting transcript is predicted to be in-frame and is not expected to trigger nonsense-mediated mRNAdecay; although, direct evidence is unavailable. This nucleotide position is highly conserved in available vertebrate species. Based on the available evidence, the clinical significance of this variant remains unclear.

Labcorp Genetics (formerly Invitae), Labcorp
Classification: Likely pathogenic. Last evaluated: 2024-07-02. Review status: criteria provided, single submitter. Criteria: Invitae Variant Classification Sherloc (09022015). Collection method: clinical testing. Allele origin: germline.
Comment: This sequence change affects a donor splice site in intron 22 of the POLE gene. It is expected to disrupt RNA splicing. Variants that disrupt the donor or acceptor splice site typically lead to a loss of protein function (PMID: 16199547), and loss-of-function variants in POLE are known to be pathogenic (PMID: 23230001, 25948378, 30503519). This variant is not present in population databases (gnomAD no frequency). This variant has not been reported in the literature in individuals affected with POLE-related conditions. ClinVar contains an entry for this variant (Variation ID: 821480). Studies have shown that disruption of this splice site is associated with altered splicing resulting in multiple RNA products (Invitae). In summary, the currently available evidence indicates that the variant is pathogenic, but additional data are needed to prove that conclusively. Therefore, this variant has been classified as Likely Pathogenic.

Literature cited by the submitters: PubMed 16199547 (cited by Labcorp Genetics (formerly Invitae), Labcorp); PubMed 23230001 (cited by Labcorp Genetics (formerly Invitae), Labcorp); PubMed 25948378 (cited by Labcorp Genetics (formerly Invitae), Labcorp); PubMed 30503519 (cited by Labcorp Genetics (formerly Invitae), Labcorp).